The following is an entry in ClinVar:

NM_001195263.2(PDZD7):c.1267G>A (p.Ala423Thr)

Gene: PDZD7 (PDZ domain containing 7; minus strand). Cytogenetic location: 10q24.31.
Variant type: single nucleotide variant.
Coding change: c.1267G>A on transcript NM_001195263.2 (MANE Select); coding-DNA position 1267, G replaced by A.
Protein change: p.Ala423Thr; replaces alanine 423 with threonine.
Molecular consequence: missense variant.
Genome position (GRCh38, 1-based): chr10:101,018,879, C>T on the plus strand (G>A on the coding strand, the complement: PDZD7 is on the minus strand). VCF-style: chr10-101018879-C-T. GRCh37 (hg19) VCF-style: chr10-102778636-C-T.
Other names: c.1267G>A, p.Ala423Thr (NM_001351044.2, NM_024895.5); short protein forms A423T.
Identifiers: ClinVar variation 1152582 (VCV001152582.13), dbSNP rs201268590, ClinGen allele CA5654136.
Genomic context (GRCh38, chr10:101,018,879, plus strand): 5'-TACCCCACAAGGTCAGATAGCTCTGGGAGCGCGTGATGGGGGGCCGGGGTCGGCTGAGGG[C>T]CAGCAGCAAAGCCGTCTTGGGAGACTCAGAGAGCGCAGAGTCAAGGCGGCGGCCGGGATG-3'
Protein context (NP_001182192.1, residues 413-433): SESPKTALLL[Ala423Thr]LSRPRPPITR

ClinVar aggregate classification (germline): Conflicting classifications of pathogenicity. Review status: criteria provided, conflicting classifications (1 of 4 stars). 4 submissions from 4 submitters: Uncertain significance (2); Likely benign (2). Last evaluated 2026-01-24.

Conditions:
Hearing loss, autosomal recessive. Also called: Autosomal recessive nonsyndromic deafness; Deafness, autosomal recessive; Nonsyndromic Hearing Loss, Recessive; Rare autosomal recessive non-syndromic sensorineural deafness type DFNB. Identifiers: Orphanet 90635, Orphanet 90636, MedGen C1846647, MONDO:0019588, OMIM 607197.
PDZD7-related disorder. Also called: PDZD7-related condition; PDZD7-related disorders.

Allele frequency attached by ClinVar (database versions not stated): gnomAD exomes 0.00010 and 0.00031; ExAC 0.00042; 1000 Genomes Project 0.00060; 1000 Genomes Project 30x 0.00109.
gnomAD v4.1: 168 of 1,604,818 alleles (0.01%); highest among the groups gnomAD compares: East Asian, 0.36%; no homozygotes.

Submissions (4):

Labcorp Genetics (formerly Invitae), Labcorp
Classification: Likely benign. Last evaluated: 2026-01-24. Review status: criteria provided, single submitter. Criteria: Invitae Variant Classification Sherloc (09022015). Collection method: clinical testing. Allele origin: germline.

PreventionGenetics, part of Exact Sciences
Classification: Likely benign for PDZD7-related condition. Last evaluated: 2024-10-30. Review status: criteria provided, single submitter. Criteria: ACMG Guidelines, 2015. Collection method: clinical testing. Allele origin: germline.
Comment: This variant is classified as likely benign based on ACMG/AMP sequence variant interpretation guidelines (Richards et al. 2015 PMID: 25741868, with internal and published modifications).

Blueprint Genetics
Classification: Uncertain significance. Last evaluated: 2024-09-12. Review status: criteria provided, single submitter. Criteria: ACMG Guidelines, 2015. Collection method: clinical testing. Allele origin: germline.

Victorian Clinical Genetics Services, Murdoch Childrens Research Institute
Classification: Uncertain significance for Hearing loss, autosomal recessive. Last evaluated: 2020-10-19. Review status: criteria provided, single submitter. Criteria: ACMG Guidelines, 2015. Collection method: clinical testing. Allele origin: germline. Affected: yes.
Comment: Based on the classification scheme VCGS_Germline_v1.3.3, this variant is classified as 3B-VUS. Following criteria are met: 0102 - Loss-of-function is a known mechanism of disease for this gene. (I) 0106 - This gene is associated with autosomal recessive disease. (I) 0200 - Variant is predicted to result in a missense amino acid change from alanine to threonine. (I) 0252 - This variant is homozygous. (I) 0304 - Variant is present in gnomAD <0.01 for a recessive condition (v2: 81 heterozygotes, 0 homozygotes). (SP) 0309 - An alternative amino acid change at the same position has been observed in gnomAD (v3) (1 heterozygote, 0 homozygotes). (I) 0502 - Missense variant with conflicting in silico predictions and uninformative conservation. (I) 0604 - Variant is not located in an established domain, motif, hotspot or informative constraint region. (I) 0705 - No comparable missense variants have previous evidence for pathogenicity. (I) 0807 - This variant has no previous evidence of pathogenicity. However, the variant has been reported in a hereditary retinal degeneration association study in a Japanese population (PMID: 31253780). (I) 0905 - No published segregation evidence has been identified for this variant. (I) 1007 - No published functional evidence has been identified for this variant. (I) 1208 - Inheritance information for this variant is not currently available in this individual. (I) Legend: (SP) - Supporting pathogenic, (I) - Information, (SB) - Supporting benign

Literature cited by the submitters: PubMed 31253780 (cited by Victorian Clinical Genetics Services, Murdoch Childrens Research Institute).